The following is an entry in ClinVar:

NM_000264.5(PTCH1):c.1813G>C (p.Asp605His)

Genes: PTCH1 (patched 1; minus strand), LOC100507346 (uncharacterized LOC100507346; plus strand). Cytogenetic location: 9q22.32.
Variant type: single nucleotide variant.
Coding change: c.1813G>C on transcript NM_000264.5 (MANE Select); coding-DNA position 1813, G replaced by C.
Protein change: p.Asp605His; replaces aspartic acid 605 with histidine.
Molecular consequence: missense variant. On other transcripts: non-coding transcript variant (2).
Genome position (GRCh38, 1-based): chr9:95,469,847, C>G on the plus strand (G>C on the coding strand, the complement: PTCH1 is on the minus strand). VCF-style: chr9-95469847-C-G. GRCh37 (hg19) VCF-style: chr9-98232129-C-G.
Other names: c.1360G>C, p.Asp454His (NM_001083607.3, NM_001083604.3, NM_001083605.3 and 1 more transcripts); c.1657G>C, p.Asp553His (NM_001354918.2); c.1615G>C, p.Asp539His (NM_001083602.3); c.1810G>C, p.Asp604His (NM_001083603.3); short protein forms D454H, D539H, D605H, D553H, D604H.
Identifiers: ClinVar variation 2098015 (VCV002098015.4), dbSNP rs2118090879, ClinGen allele CA374116292.

ClinVar aggregate classification (germline): Uncertain significance (1 of 4 stars; one submission).

Conditions:
Gorlin syndrome. Also called: Basal cell nevus syndrome; Nevoid Basal Cell Carcinoma Syndrome. Identifiers: Orphanet 377, MedGen C0004779, MONDO:0007187.

Submission:

Labcorp Genetics (formerly Invitae), Labcorp
Classification: Uncertain significance for Gorlin syndrome. Last evaluated: 2022-02-20. Review status: criteria provided, single submitter. Criteria: Invitae Variant Classification Sherloc (09022015). Collection method: clinical testing. Allele origin: germline.
Comment: Advanced modeling of protein sequence and biophysical properties (such as structural, functional, and spatial information, amino acid conservation, physicochemical variation, residue mobility, and thermodynamic stability) performed at Invitae indicates that this missense variant is not expected to disrupt PTCH1 protein function. In summary, the available evidence is currently insufficient to determine the role of this variant in disease. Therefore, it has been classified as a Variant of Uncertain Significance. This variant has not been reported in the literature in individuals affected with PTCH1-related conditions. This variant is not present in population databases (gnomAD no frequency). This sequence change replaces aspartic acid, which is acidic and polar, with histidine, which is basic and polar, at codon 605 of the PTCH1 protein (p.Asp605His).